The following is an entry in ClinVar:

NM_000525.4(KCNJ11):c.*826_*827dup

Gene: KCNJ11 (potassium inwardly rectifying channel subfamily J member 11; minus strand). Cytogenetic location: 11p15.1.
Variant type: Duplication.
Coding change: c.*826_*827dup on transcript NM_000525.4 (MANE Select); 826 bases downstream of the stop codon through 827 bases downstream of the stop codon, 2 bases duplicated (TC; older notation c.*826_*827dupTC).
Molecular consequence: 3 prime UTR variant.
Genome position (GRCh38, 1-based): chr11:17,386,092-17,386,093, GA duplicated on the plus strand (TC on the coding strand, the reverse complement: KCNJ11 is on the minus strand); duplicating any 2 consecutive bases within chr11:17,386,092-17,386,094 gives the same sequence; the c. name uses the placement nearest the transcript's 3' end. VCF-style (leftmost placement, unchanged base first): chr11-17386091-G-GGA. GRCh37 (hg19) VCF-style: chr11-17407638-G-GGA.
Other names: c.*826_*827dup (NM_001166290.2, NM_001377296.1, NM_001377297.1).
Identifiers: ClinVar variation 303713 (VCV000303713.6), dbSNP rs886048034, ClinGen allele CA10637935.

ClinVar aggregate classification (germline): Uncertain significance (1 of 4 stars; one submission).

Conditions:
Maturity-onset diabetes of the young (MODY). Also called: Maturity onset diabetes mellitus in young. Identifiers: Orphanet 552, MedGen C0342276, MONDO:0018911, HP:0004904.

Submission:

Clinical Genomics, Uppaluri K&H Personalized Medicine Clinic
Classification: Uncertain significance for Maturity-onset diabetes of the young. Review status: criteria provided, single submitter. Criteria: K&H Uppaluri Personalized Medicine Clinic Variant Classification & Assertion Criteria. Collection method: research. Allele origin: somatic. Inheritance: Autosomal dominant inheritance.
Comment: Mutations in KCNJ11 gene can cause decreased production and secretion of insulin. This can lead to MODY which may be responsive to oral sulfonylureas. It is also associated with with Neonatal Diabetes. However, no sufficient evidence is found to ascertain the role of rs886048034 variant in MODY yet.

Literature cited by the submitters: PubMed 26448950; PubMed 15580558; PubMed 15718250; PubMed 32935446; PubMed 22701567.